The following is an entry in ClinVar:

NM_152564.5(VPS13B):c.2124T>C (p.Ala708=)

Gene: VPS13B (vacuolar protein sorting 13 homolog B; plus strand). Cytogenetic location: 8q22.2.
Variant type: single nucleotide variant.
Coding change: c.2124T>C on transcript NM_152564.5 (MANE Select); coding-DNA position 2124, T replaced by C.
Protein change: p.Ala708=; no amino-acid change (alanine 708 retained).
Molecular consequence: synonymous variant.
Genome position (GRCh38, 1-based): chr8:99,156,659, T>C. VCF-style: chr8-99156659-T-C. GRCh37 (hg19) VCF-style: chr8-100168887-T-C.
Other names: c.2124T>C, p.Ala708= (NM_015243.3, NM_017890.5); c.2124T>C (NM_152564.4).
Identifiers: ClinVar variation 95837 (VCV000095837.35), dbSNP rs201650333, ClinGen allele CA223399.
Genomic context (GRCh38, chr8:99,156,659, plus strand): 5'-GCCATCCATTCGAATATTGGTGGATAAAATTAATCTGGAACATTCAGTGCCAATGTATGC[T>C]GAACAGTTGGTGCATGTGGTCAGCAGCCTTACTCAACCTTCTGATAACCTGCTTCATTAT-3'
Protein context (NP_689777.3, residues 698-718): INLEHSVPMY[Ala708=]EQLVHVVSSL

ClinVar aggregate classification (germline): Conflicting classifications of pathogenicity. Review status: criteria provided, conflicting classifications (1 of 4 stars). 8 submissions from 8 submitters: Uncertain significance (1); Likely benign (4). 3 of the submissions do not count toward it. Last evaluated 2026-02-01.

Conditions:
VPS13B-related disorder. Also called: VPS13B-related condition.
Inborn genetic diseases. Identifiers: MedGen C0950123, MeSH D030342.
Cohen syndrome (COH1). Also called: PEPPER SYNDROME; Cutis verticis gyrata, retinitis pigmentosa, and sensorineural deafness. Identifiers: Orphanet 193, MedGen C0265223, MONDO:0008999, OMIM 216550.

Allele frequency attached by ClinVar (database versions not stated): gnomAD exomes 0.00001 and 0.00002; ExAC 0.00003; 1000 Genomes Project 0.00020; gnomAD 0.00023; 1000 Genomes Project 30x 0.00031; TOPMed 0.00051.
gnomAD v4.1: 56 of 1,614,136 alleles (0.0035%); highest among the groups gnomAD compares: Admixed American, 0.073%; 1 homozygote.

Submissions (8):

Labcorp Genetics (formerly Invitae), Labcorp
Classification: Likely benign for Cohen syndrome. Last evaluated: 2026-02-01. Review status: criteria provided, single submitter. Criteria: Invitae Variant Classification Sherloc (09022015). Collection method: clinical testing. Allele origin: germline.

CeGaT Center for Human Genetics Tuebingen
Classification: Likely benign. Last evaluated: 2025-01-01. Review status: criteria provided, single submitter. Criteria: CeGaT Center For Human Genetics Tuebingen Variant Classification Criteria Version 2. Collection method: clinical testing. Allele origin: germline. Affected: yes. Observed: 1 variant allele.
Comment: VPS13B: BP4, BP7

Blueprint Genetics
Classification: Likely benign. Last evaluated: 2022-11-01. Review status: criteria provided, single submitter. Criteria: ACMG Guidelines, 2015. Collection method: clinical testing. Allele origin: germline.

Ambry Genetics
Classification: Likely benign for Inborn genetic diseases. Last evaluated: 2017-09-26. Review status: criteria provided, single submitter. Criteria: Ambry Variant Classification Scheme 2023. Collection method: clinical testing. Allele origin: germline.

Eurofins Ntd Llc (ga)
Classification: Uncertain significance. Last evaluated: 2012-11-02. Review status: criteria provided, single submitter. Criteria: EGL Classification Definitions 2015. Collection method: clinical testing. Allele origin: germline. Observed: 3 variant alleles, 3 heterozygotes.

PreventionGenetics, part of Exact Sciences
Classification: Likely benign for VPS13B-related condition. Last evaluated: 2021-08-11. Review status: no assertion criteria provided. Collection method: clinical testing. Allele origin: germline. Not counted in ClinVar's aggregate classification.
Comment: This variant is classified as likely benign based on ACMG/AMP sequence variant interpretation guidelines (Richards et al. 2015 PMID: 25741868, with internal and published modifications).

Natera, Inc.
Classification: Uncertain significance for Cohen syndrome. Last evaluated: 2020-01-24. Review status: no assertion criteria provided. Collection method: clinical testing. Allele origin: germline. Not counted in ClinVar's aggregate classification.

Counsyl
Classification: Likely benign for Cohen syndrome. Last evaluated: 2017-12-28. Review status: no assertion criteria provided. Collection method: clinical testing. Allele origin: unknown. Not counted in ClinVar's aggregate classification.